The following is an entry in ClinVar:

ClinVar aggregate classification (germline): Pathogenic. Review status: criteria provided, multiple submitters, no conflicts (2 of 4 stars). 5 submissions from 5 submitters: Pathogenic (4). 1 of the submissions does not count toward it. Last evaluated 2026-06-16.

Conditions:
DSPP-related disorder. Also called: DSPP-related condition.
Dentinogenesis imperfecta type 2 (DGI1). Also called: CAPDEPONT TEETH; Dentinogenesis imperfecta without osteogenesis imperfecta; Dentinogenesis imperfecta - Shield's type II; OPALESCENT DENTIN; OPALESCENT TEETH WITHOUT OSTEOGENESIS IMPERFECTA; Hereditary Opalescent Dentin. Identifiers: Orphanet 166260, MedGen C2973527, MONDO:0007441, OMIM 125490. Disease mechanism: loss of function.

Allele frequency attached by ClinVar (database versions not stated): gnomAD exomes below 0.00001.
gnomAD v4.1: 1 of 1,613,910 alleles (0.000062%); highest among the groups gnomAD compares: Non-Finnish European, 0.000085%; no homozygotes.

Submissions (5):

PreventionGenetics, part of Exact Sciences
Classification: Pathogenic for DSPP-related condition. Last evaluated: 2026-06-16. Review status: criteria provided, single submitter. Criteria: ACMG Guidelines, 2015. Collection method: clinical testing. Allele origin: germline.
Comment: The DSPP c.135+1G>A variant is predicted to disrupt the GT donor site and interfere with normal splicing. This variant has been reported to be causative for dentinogenesis imperfecta (Xiao et al. 2001. PubMed ID: 11175790; Wang et al. 2011. PubMed ID: 22243242). In vitro splicing assays suggested that this variant could lead to the skipping of exon 3 and the activation of a cryptic splice donor site (Lee et al. 2011. PubMed ID: 21736673). This variant has not been reported in a large population database (gnomAD), indicating this variant is rare. Variants that disrupt the consensus splice donor site in DSPP are expected to be pathogenic. This variant is interpreted as pathogenic.

Labcorp Genetics (formerly Invitae), Labcorp
Classification: Pathogenic. Last evaluated: 2025-03-04. Review status: criteria provided, single submitter. Criteria: Invitae Variant Classification Sherloc (09022015). Collection method: clinical testing. Allele origin: germline.
Comment: This sequence change affects a donor splice site in intron 3 of the DSPP gene. It is expected to disrupt RNA splicing. Variants that disrupt the donor or acceptor splice site typically lead to a loss of protein function (PMID: 16199547), however the current clinical and genetic evidence is not sufficient to establish whether loss-of-function variants in DSPP cause disease. This variant is not present in population databases (gnomAD no frequency). Disruption of this splice site has been observed in individuals with dentinogenesis imperfecta (PMID: 11175790, 22243242). It has also been observed to segregate with disease in related individuals. ClinVar contains an entry for this variant (Variation ID: 16854). Algorithms developed to predict the effect of sequence changes on RNA splicing suggest that this variant may disrupt the consensus splice site. For these reasons, this variant has been classified as Pathogenic.

GeneDx
Classification: Pathogenic. Last evaluated: 2025-01-07. Review status: criteria provided, single submitter. Criteria: GeneDx Variant Classification Process June 2021. Collection method: clinical testing. Allele origin: germline. Affected: yes.
Comment: RNA studies demonstrate a damaging effect: 80% of product skipped exon 3 to create an in-frame product and 20% of product used a cryptic splice site expected to create an out-of-frame product (PMID: 21736673); Not observed at significant frequency in large population cohorts (gnomAD); This variant is associated with the following publications: (PMID: 25525159, 22310900, 11175790, 22243242, 35627243, 21736673)

Greenwood Genetic Center Diagnostic Laboratories, Greenwood Genetic Center
Classification: Pathogenic for DSPP-related disorder. Last evaluated: 2023-08-01. Review status: criteria provided, single submitter. Criteria: ACMG Guidelines, 2015. Collection method: clinical testing. Allele origin: germline. Affected: yes.
Comment: PVS1, PS4_Supporting, PM2, PP1

OMIM
Classification: Pathogenic for DENTINOGENESIS IMPERFECTA, SHIELDS TYPE II. Last evaluated: 2001-02-01. Review status: no assertion criteria provided. Collection method: literature only. Allele origin: germline. Not counted in ClinVar's aggregate classification.

Literature cited by the submitters: PubMed 16199547 (cited by Labcorp Genetics (formerly Invitae), Labcorp); PubMed 11175790 (cited by Labcorp Genetics (formerly Invitae), Labcorp and OMIM); PubMed 22243242 (cited by Labcorp Genetics (formerly Invitae), Labcorp).

NM_014208.3(DSPP):c.135+1G>A

Genes: DMP1-AS1 (DMP1 and DSPP antisense RNA 1; minus strand), DSPP (dentin sialophosphoprotein; plus strand). Cytogenetic location: 4q22.1.
Variant type: single nucleotide variant.
Coding change: c.135+1G>A on transcript NM_014208.3 (MANE Select); the canonical splice donor site of the intron after coding-DNA position 135, G replaced by A.
Molecular consequence: splice donor variant.
Genome position (GRCh38, 1-based): chr4:87,612,189, G>A. VCF-style: chr4-87612189-G-A. GRCh37 (hg19) VCF-style: chr4-88533341-G-A.
Other names: IVS3DS, G-A, +1; c.135+1G>A (LRG_1242t1).
Identifiers: ClinVar variation 16854 (VCV000016854.8), dbSNP rs1560477489, ClinGen allele CA357602877.